The following is an entry in ClinVar:

NM_004859.4(CLTC):c.4763G>A (p.Arg1588Lys)

Gene: CLTC (clathrin heavy chain; plus strand). Cytogenetic location: 17q23.1.
Variant type: single nucleotide variant.
Coding change: c.4763G>A on transcript NM_004859.4 (MANE Select); coding-DNA position 4763, G replaced by A.
Protein change: p.Arg1588Lys; replaces arginine 1588 with lysine.
Molecular consequence: missense variant.
Genome position (GRCh38, 1-based): chr17:59,685,744, G>A. VCF-style: chr17-59685744-G-A. GRCh37 (hg19) VCF-style: chr17-57763105-G-A.
Other names: c.4775G>A, p.Arg1592Lys (NM_001288653.2); short protein forms R1588K, R1592K.
Identifiers: ClinVar variation 3686601 (VCV003686601.2).
Genomic context (GRCh38, chr17:59,685,744, plus strand): 5'-CTTGTCTGTTTACCTGTTACGATCTTTTAAGGCCAGATGTCGTCCTAGAAACTGCATGGA[G>A]GCACAATATCATGGATTTTGCCATGCCCTATTTCATCCAGGTCATGAAGGAGTACTTGAC-3'
Protein context (NP_004850.1, residues 1578-1598): RPDVVLETAW[Arg1588Lys]HNIMDFAMPY

ClinVar aggregate classification (germline): Uncertain significance (1 of 4 stars; one submission).

Submission:

Labcorp Genetics (formerly Invitae), Labcorp
Classification: Uncertain significance. Last evaluated: 2024-11-11. Review status: criteria provided, single submitter. Criteria: Invitae Variant Classification Sherloc (09022015). Collection method: clinical testing. Allele origin: germline.
Comment: This sequence change replaces arginine, which is basic and polar, with lysine, which is basic and polar, at codon 1592 of the CLTC protein (p.Arg1592Lys). This variant is not present in population databases (gnomAD no frequency). This variant has not been reported in the literature in individuals affected with CLTC-related conditions. Invitae Evidence Modeling of protein sequence and biophysical properties (such as structural, functional, and spatial information, amino acid conservation, physicochemical variation, residue mobility, and thermodynamic stability) indicates that this missense variant is not expected to disrupt CLTC protein function with a negative predictive value of 80%. In summary, the available evidence is currently insufficient to determine the role of this variant in disease. Therefore, it has been classified as a Variant of Uncertain Significance.